The following is an entry in ClinVar:

NM_018180.3(DHX32):c.781C>A (p.Arg261Ser)

Gene: DHX32 (DEAH-box helicase 32 (putative); minus strand). Cytogenetic location: 10q26.2.
Variant type: single nucleotide variant.
Coding change: c.781C>A on transcript NM_018180.3 (MANE Select); coding-DNA position 781, C replaced by A.
Protein change: p.Arg261Ser; replaces arginine 261 with serine.
Molecular consequence: missense variant.
Genome position (GRCh38, 1-based): chr10:125,859,671, G>T on the plus strand (C>A on the coding strand, the complement: DHX32 is on the minus strand). VCF-style: chr10-125859671-G-T. GRCh37 (hg19) VCF-style: chr10-127548240-G-T.
Other names: short protein forms R261S.
Identifiers: ClinVar variation 3679922 (VCV003679922.2).
Genomic context (GRCh38, chr10:125,859,671, plus strand): 5'-AGGCCAGAAAGACTACAATGTCACCTTTCTCACCCGAGTGGTGAATTTCAAAGATAAGGC[G>T]TAAAATAGACTCAAAAGAATCCTTTTGAGCCTCACTAAGGTACACAACCTCCACAGGGTG-3'
Protein context (NP_060650.2, residues 251-271): AQKDSFESIL[Arg261Ser]LIFEIHHSGE

ClinVar aggregate classification (germline): Uncertain significance (1 of 4 stars; one submission).

Submission:

Labcorp Genetics (formerly Invitae), Labcorp
Classification: Uncertain significance. Last evaluated: 2024-06-03. Review status: criteria provided, single submitter. Criteria: Invitae Variant Classification Sherloc (09022015). Collection method: clinical testing. Allele origin: germline.
Comment: This sequence change replaces arginine, which is basic and polar, with serine, which is neutral and polar, at codon 261 of the DHX32 protein (p.Arg261Ser). This variant is not present in population databases (gnomAD no frequency). This variant has not been reported in the literature in individuals affected with DHX32-related conditions. Algorithms developed to predict the effect of missense changes on protein structure and function output the following: SIFT: "Not Available"; PolyPhen-2: "Benign"; Align-GVGD: "Not Available". The serine amino acid residue is found in multiple mammalian species, which suggests that this missense change does not adversely affect protein function. In summary, the available evidence is currently insufficient to determine the role of this variant in disease. Therefore, it has been classified as a Variant of Uncertain Significance.